The following is an entry in ClinVar:

NM_000388.4(CASR):c.683A>C (p.Glu228Ala)

Gene: CASR (calcium sensing receptor; plus strand). Cytogenetic location: 3q21.1.
Variant type: single nucleotide variant.
Coding change: c.683A>C on transcript NM_000388.4 (MANE Select); coding-DNA position 683, A replaced by C.
Protein change: p.Glu228Ala; replaces glutamic acid 228 with alanine.
Molecular consequence: missense variant.
Genome position (GRCh38, 1-based): chr3:122,261,718, A>C. VCF-style: chr3-122261718-A-C. GRCh37 (hg19) VCF-style: chr3-121980565-A-C.
Other names: c.683A>C, p.Glu228Ala (NM_001178065.2); short protein forms E228A.
Identifiers: ClinVar variation 4991254 (VCV004991254.1).

ClinVar aggregate classification (germline): Likely pathogenic (1 of 4 stars; one submission).

Conditions:
CASR-related disorder. Also called: CASR-related condition.

Submission:

PreventionGenetics, part of Exact Sciences
Classification: Likely pathogenic for CASR-related condition. Last evaluated: 2026-09-21. Review status: criteria provided, single submitter. Criteria: ACMG Guidelines, 2015. Collection method: clinical testing. Allele origin: germline.
Comment: The CASR c.683A>C variant is predicted to result in the amino acid substitution p.Glu228Ala. This variant has been reported in an individual with autosomal dominant hypocalcaemia (Roberts et al. 2019. PubMed ID: 31063613). This variant has not been reported in a large population database (gnomAD), indicating this variant is rare. Alternate missense changes at the same amino acid position (p.Glu228Lys, p.Glu228Gly, and p.Glu228Gln) have been reported in individuals with hypocalcemia (Cole et al. 2009. PubMed ID: 19179454; Formosa et al. 2014. PubMed ID: 25227206; Nakajima et al. 2009. PubMed ID: 19915295; Conley et al. 2000. PubMed ID: 11136551). The p.Glu228Ala variant is interpreted as likely pathogenic.